The following is an entry in ClinVar:

NM_001365999.1(SZT2):c.9847T>G (p.Phe3283Val)

Genes: SZT2 (SZT2 subunit of KICSTOR complex; plus strand), SZT2-AS1 (SZT2 antisense RNA 1; minus strand). Cytogenetic location: 1p34.2.
Variant type: single nucleotide variant.
Coding change: c.9847T>G on transcript NM_001365999.1 (MANE Select); coding-DNA position 9847, T replaced by G.
Protein change: p.Phe3283Val; replaces phenylalanine 3283 with valine.
Molecular consequence: missense variant. On other transcripts: non-coding transcript variant (1).
Genome position (GRCh38, 1-based): chr1:43,448,362, T>G. VCF-style: chr1-43448362-T-G. GRCh37 (hg19) VCF-style: chr1-43914033-T-G.
Other names: c.9676T>G, p.Phe3226Val (NM_015284.4); c.9676T>G (NM_015284.3); short protein forms F3283V, F3226V.
Identifiers: ClinVar variation 1417773 (VCV001417773.7), dbSNP rs1387972180, ClinGen allele CA340045762.
Genomic context (GRCh38, chr1:43,448,362, plus strand): 5'-GCTCAGCTGGTGCGGCTGGCTGGAGGGCACTGCCGTCGGGACACCCTTTGGAAGCGCCTC[T>G]TCTTGCTGGAGCCACCGGGGCCTGATCGACTGCGGCTAGGGGGGCGCCTGGCCCTGGCAG-3'
Protein context (NP_001352928.1, residues 3273-3293): CRRDTLWKRL[Phe3283Val]LLEPPGPDRL

ClinVar aggregate classification (germline): Uncertain significance. Review status: criteria provided, multiple submitters, no conflicts (2 of 4 stars). 2 submissions from 2 submitters: Uncertain significance (2). Last evaluated 2026-02-27.

Conditions:
Inborn genetic diseases. Identifiers: MedGen C0950123, MeSH D030342.

Allele frequency attached by ClinVar (database versions not stated): gnomAD exomes below 0.00001 and 0.00001.
gnomAD v4.1: 1 of 1,555,810 alleles (0.000064%); highest among the groups gnomAD compares: Admixed American, 0.0019%; no homozygotes.

Submissions (2):

Ambry Genetics
Classification: Uncertain significance for Inborn genetic diseases. Last evaluated: 2026-02-27. Review status: criteria provided, single submitter. Criteria: Ambry Variant Classification Scheme 2023. Collection method: clinical testing. Allele origin: germline.
Comment: The c.9676T>G (p.F3226V) alteration is located in exon 68 (coding exon 68) of the SZT2 gene. This alteration results from a T to G substitution at nucleotide position 9676, causing the phenylalanine (F) at amino acid position 3226 to be replaced by a valine (V). Based on data from gnomAD, the G allele has an overall frequency of 0.001% (1/161890) total alleles studied. The highest observed frequency was 0.004% (1/25132) of Latino alleles. Based on insufficient or conflicting evidence, the clinical significance of this alteration remains unclear.

Labcorp Genetics (formerly Invitae), Labcorp
Classification: Uncertain significance. Last evaluated: 2021-08-20. Review status: criteria provided, single submitter. Criteria: Invitae Variant Classification Sherloc (09022015). Collection method: clinical testing. Allele origin: germline.
Comment: This variant has not been reported in the literature in individuals affected with SZT2-related conditions. This sequence change replaces phenylalanine with valine at codon 3226 of the SZT2 protein (p.Phe3226Val). The phenylalanine residue is highly conserved and there is a small physicochemical difference between phenylalanine and valine. This variant is not present in population databases (ExAC no frequency). Algorithms developed to predict the effect of missense changes on protein structure and function are either unavailable or do not agree on the potential impact of this missense change (SIFT: "Deleterious"; PolyPhen-2: "Possibly Damaging"; Align-GVGD: "Class C15"). In summary, the available evidence is currently insufficient to determine the role of this variant in disease. Therefore, it has been classified as a Variant of Uncertain Significance.